The following is an entry in ClinVar:

NM_057176.3(BSND):c.459C>T (p.Asp153=)

Gene: BSND (barttin CLCNK type accessory subunit beta; plus strand). Cytogenetic location: 1p32.3.
Variant type: single nucleotide variant.
Coding change: c.459C>T on transcript NM_057176.3 (MANE Select); coding-DNA position 459, C replaced by T.
Protein change: p.Asp153=; no amino-acid change (aspartic acid 153 retained).
Molecular consequence: synonymous variant.
Genome position (GRCh38, 1-based): chr1:55,007,183, C>T. VCF-style: chr1-55007183-C-T. GRCh37 (hg19) VCF-style: chr1-55472856-C-T.
Identifiers: ClinVar variation 226465 (VCV000226465.60), dbSNP rs138974602, ClinGen allele CA871338.
Genomic context (GRCh38, chr1:55,007,183, plus strand): 5'-CCCTGAGATGGGGCAGCCGAAGCTGGGAACCAGTGATGGAGGAGAAGGTGGCCCTGGCGA[C>T]GTTCAGGCCTGGATGGAGGCTGCCGTGGTCATCCACAAGGGCTCAGACGAGAGTGAAGGG-3'
Protein context (NP_476517.1, residues 143-163): TSDGGEGGPG[Asp153=]VQAWMEAAVV

ClinVar aggregate classification (germline): Benign/Likely benign. Review status: criteria provided, multiple submitters, no conflicts (2 of 4 stars). 10 submissions from 10 submitters: Benign (3); Likely benign (6). 1 of the submissions does not count toward it. Last evaluated 2026-07-01.

Conditions:
BSND-related disorder. Also called: BSND-related condition.
Bartter disease type 4A. Also called: BARTTER SYNDROME, TYPE 4A, NEONATAL, WITH SENSORINEURAL DEAFNESS; BARTTER SYNDROME, NEONATAL, WITH SENSORINEURAL DEAFNESS. Identifiers: Orphanet 112, MedGen C1865270, MONDO:0011242, OMIM 602522.

Allele frequency attached by ClinVar (database versions not stated): 1000 Genomes Project 30x 0.00062; 1000 Genomes Project 0.00080; ExAC 0.00270; TOPMed 0.00287; gnomAD exomes 0.00297 and 0.00418; ESP Exome Variant Server 0.00300; gnomAD 0.00308 and 0.00328.

Submissions (10):

CeGaT Center for Human Genetics Tuebingen
Classification: Likely benign. Last evaluated: 2026-07-01. Review status: criteria provided, single submitter. Criteria: CeGaT Center For Human Genetics Tuebingen Variant Classification Criteria Version 2. Collection method: clinical testing. Allele origin: germline. Affected: yes. Observed: 9 variant alleles.
Comment: BSND: BP4, BP7, BS2

Labcorp Genetics (formerly Invitae), Labcorp
Classification: Benign. Last evaluated: 2026-01-26. Review status: criteria provided, single submitter. Criteria: Invitae Variant Classification Sherloc (09022015). Collection method: clinical testing. Allele origin: germline.

Blueprint Genetics
Classification: Likely benign. Last evaluated: 2024-11-21. Review status: criteria provided, single submitter. Criteria: ACMG Guidelines, 2015. Collection method: clinical testing. Allele origin: germline.

Fulgent Genetics
Classification: Likely benign for Bartter disease type 4A. Last evaluated: 2021-08-18. Review status: criteria provided, single submitter. Criteria: ACMG Guidelines, 2015. Collection method: clinical testing. Allele origin: unknown.

GeneDx
Classification: Likely benign. Last evaluated: 2018-01-31. Review status: criteria provided, single submitter. Criteria: GeneDx Variant Classification (06012015). Collection method: clinical testing. Allele origin: germline. Affected: yes.
Comment: This variant is considered likely benign or benign based on one or more of the following criteria: it is a conservative change, it occurs at a poorly conserved position in the protein, it is predicted to be benign by multiple in silico algorithms, and/or has population frequency not consistent with disease.

Illumina Laboratory Services, Illumina
Classification: Likely benign for Bartter disease type 4A. Last evaluated: 2018-01-13. Review status: criteria provided, single submitter. Criteria: ICSL Variant Classification Criteria 13 December 2019. Collection method: clinical testing. Allele origin: germline.
Comment: This variant was observed in the ICSL laboratory as part of a predisposition screen in an ostensibly healthy population. It had not been previously curated by ICSL or reported in the Human Gene Mutation Database (HGMD: prior to June 1st, 2018), and was therefore a candidate for classification through an automated scoring system. Utilizing variant allele frequency, disease prevalence and penetrance estimates, and inheritance mode, an automated score was calculated to assess if this variant is too frequent to cause the disease. Based on the score and internal cut-off values, a variant classified as likely benign is not then subjected to further curation. The score for this variant resulted in a classification of likely benign for this disease.

Athena Diagnostics
Classification: Benign. Last evaluated: 2017-07-21. Review status: criteria provided, single submitter. Criteria: Athena Diagnostics Criteria. Collection method: clinical testing. Allele origin: germline.

Laboratory for Molecular Medicine, Mass General Brigham Personalized Medicine
Classification: Benign. Last evaluated: 2012-04-30. Review status: criteria provided, single submitter. Criteria: LMM Criteria. Collection method: clinical testing. Allele origin: germline. Observed: 7 variant alleles.
Comment: Asp153Asp in Exon 03 of BSND: This variant is not expected to have clinical sign ificance because it does not alter an amino acid residue, is not located within the splice consensus sequence, and has been identified in 0.3% (23/7020) of Euro pean American chromosomes from a broad population by the NHLBI Exome Sequencing Project (dbSNP rs138974602).

Breakthrough Genomics
Classification: Likely benign. Review status: criteria provided, single submitter. Criteria: ACMG Guidelines, 2015. Collection method: not provided. Allele origin: germline. Inheritance: Autosomal recessive inheritance. Affected: yes.

PreventionGenetics, part of Exact Sciences
Classification: Likely benign for BSND-related condition. Last evaluated: 2019-10-11. Review status: no assertion criteria provided. Collection method: clinical testing. Allele origin: germline. Not counted in ClinVar's aggregate classification.
Comment: This variant is classified as likely benign based on ACMG/AMP sequence variant interpretation guidelines (Richards et al. 2015 PMID: 25741868, with internal and published modifications).